The following is an entry in ClinVar:

ClinVar aggregate classification (germline): Pathogenic (1 of 4 stars; one submission).

Submission:

Labcorp Genetics (formerly Invitae), Labcorp
Classification: Pathogenic. Last evaluated: 2024-08-28. Review status: criteria provided, single submitter. Criteria: Invitae Variant Classification Sherloc (09022015). Collection method: clinical testing. Allele origin: germline.
Comment: This sequence change creates a premature translational stop signal (p.Val93Cysfs*8) in the TNFAIP3 gene. It is expected to result in an absent or disrupted protein product. Loss-of-function variants in TNFAIP3 are known to be pathogenic (PMID: 26642243). This variant is not present in population databases (gnomAD no frequency). This variant has not been reported in the literature in individuals affected with TNFAIP3-related conditions. For these reasons, this variant has been classified as Pathogenic.

Literature cited by the submitters: PubMed 26642243.

NM_001270508.2(TNFAIP3):c.276dup (p.Val93fs)

Gene: TNFAIP3 (TNF alpha induced protein 3; plus strand). Cytogenetic location: 6q23.3.
Variant type: Duplication.
Coding change: c.276dup on transcript NM_001270508.2 (MANE Select); coding-DNA position 276, one base duplicated (T; older notation c.276dupT).
Protein change: p.Val93fs; shifts the reading frame from valine 93.
Molecular consequence: frameshift variant.
Genome position (GRCh38, 1-based): chr6:137,871,503, T duplicated; the last of 2 consecutive T bases (chr6:137,871,502-137,871,503); duplicating either gives the same sequence. VCF-style (leftmost placement, unchanged base first): chr6-137871501-C-CT. GRCh37 (hg19) VCF-style: chr6-138192638-C-CT.
Other names: c.276dup, p.Val93fs (NM_001270507.2, NM_006290.4); short protein forms V93fs.
Identifiers: ClinVar variation 3663727 (VCV003663727.2).
Genomic context (GRCh38, chr6:137,871,501, plus strand): 5'-AACATCCAGGCCACCCTGGAAAGCCAGAAGAAACTCAACTGGTGTCGAGAAGTCCGGAAG[C>CT]TTGTGGCGCTGAAAACGAACGGTAAGACTTGTTCTGTTGTGTTTCTTTTGCCTGGGTGAT-3'